The following is an entry in ClinVar:

NM_130837.3(OPA1):c.1821T>G (p.Phe607Leu)

Genes: OPA1 (OPA1 mitochondrial dynamin like GTPase; plus strand), LOC126806913 (BRD4-independent group 4 enhancer GRCh37_chr3:193364377-193365576; plus strand). Cytogenetic location: 3q29.
Variant type: single nucleotide variant.
Coding change: c.1821T>G on transcript NM_130837.3 (MANE Select); coding-DNA position 1821, T replaced by G.
Protein change: p.Phe607Leu; replaces phenylalanine 607 with leucine.
Molecular consequence: missense variant.
Genome position (GRCh38, 1-based): chr3:193,647,131, T>G. VCF-style: chr3-193647131-T-G. GRCh37 (hg19) VCF-style: chr3-193364920-T-G.
Other names: c.1287T>G, p.Phe429Leu (NM_001354663.2); c.1284T>G, p.Phe428Leu (NM_001354664.2); c.1656T>G, p.Phe552Leu (NM_015560.3); c.1548T>G, p.Phe516Leu (NM_130831.3); c.1602T>G, p.Phe534Leu (NM_130832.3); c.1659T>G, p.Phe553Leu (NM_130833.3); c.1710T>G, p.Phe570Leu (NM_130834.3); c.1713T>G, p.Phe571Leu (NM_130835.3); and 1 more; short protein forms F428L, F429L, F516L, F534L, F552L, F553L, F570L, F571L.
Identifiers: ClinVar variation 3600226 (VCV003600226.2).

ClinVar aggregate classification (germline): Pathogenic (1 of 4 stars; one submission).

Conditions:
Optic atrophy with or without deafness, ophthalmoplegia, myopathy, ataxia, and neuropathy. Also called: OPTIC ATROPHY PLUS SYNDROME. Identifiers: MedGen C3276549, MONDO:0007429, OMIM 125250.

Submission:

Plataforma de Genómica Funcional - SJD, Institut De Recerca Sant Joan De Déu
Classification: Pathogenic for Optic atrophy with or without deafness, ophthalmoplegia, myopathy, ataxia, and neuropathy. Review status: criteria provided, single submitter. Criteria: ACMG Guidelines, 2015. Collection method: clinical testing. Allele origin: de novo. Affected: yes.
Comment: The c.1710T>G variant (NM_130834.3) in OPA1 is a missense variant predicted to cause an amino acid change substitution of Phenylalanine by Leucine at position 570 in the protein sequence (p.Phe570Leu). The variant is absent from gnomAD v2.1 (PM2_Supporting). The computational predictor REVEL and CADD unanimously support a deleterious effect on the gene (REVEL score of 0.77, CADD score of 25.1) (PP3_Moderate). This variant has been identified as a de novo with confirmed parental relationships in one individual with Optic atrophy plus syndrome (PS2; PMID: 35177962). The same amino acid change, resulting from a different nucleotide change (c.1708T>C) (ClinVar Variation ID: 624038), is classified as Likely Pathogenic (PS1). Functional studies performed in the patient’s fibroblasts were conducted at the Neurogenetics and Molecular Medicine Laboratory and showed morphological abnormalities in the mitochondrial network, mass, and lysosomal abnormalities, indicating that this variant impacts OPA1 protein function (PS3; PMID: 35177962). In summary, this variant meets the criteria to be classified as Pathogenic based on the ACMG/AMP criteria applied.